The following is an entry in ClinVar:

NM_001918.5(DBT):c.731del (p.Pro244fs)

Gene: DBT (dihydrolipoamide branched chain transacylase E2; minus strand). Cytogenetic location: 1p21.2.
Variant type: Deletion.
Coding change: c.731del on transcript NM_001918.5 (MANE Select); coding-DNA position 731, one base deleted (C; older notation c.731delC).
Protein change: p.Pro244fs; shifts the reading frame from proline 244.
Molecular consequence: frameshift variant.
Genome position (GRCh38, 1-based): chr1:100,216,024, G deleted on the plus strand (C on the coding strand, the reverse complement: DBT is on the minus strand); the first of 2 consecutive G bases (chr1:100,216,024-100,216,025); deleting either gives the same sequence. VCF-style (leftmost placement, unchanged base first): chr1-100216023-AG-A. GRCh37 (hg19) VCF-style: chr1-100681579-AG-A.
Other names: short protein forms P244fs.
Identifiers: ClinVar variation 422717 (VCV000422717.2), dbSNP rs1064795955, ClinGen allele CA16616951.

ClinVar aggregate classification (germline): Likely pathogenic (1 of 4 stars; one submission).

Submission:

GeneDx
Classification: Likely pathogenic. Last evaluated: 2016-11-18. Review status: criteria provided, single submitter. Criteria: GeneDx Variant Classification (06012015). Collection method: clinical testing. Allele origin: germline. Affected: yes.
Comment: The c.731delC variant in the DBT gene causes a frameshift starting with codon Proline 244, changes this amino acid to a Leucine residue and creates a premature Stop codon at position 13 of the new reading frame, denoted p.Pro244LeufsX1. This variant is predicted to cause loss of normal protein function either through protein truncation or nonsense-mediated mRNA decay. Although this variant has not been previously reported to our knowledge, it is expected to be a likely pathogenic variant.